The following is an entry in ClinVar:

ClinVar aggregate classification (germline): Uncertain significance. Review status: criteria provided, multiple submitters, no conflicts (2 of 4 stars). 3 submissions from 3 submitters: Uncertain significance (3). Last evaluated 2024-01-08.

Conditions:
Inborn genetic diseases. Identifiers: MedGen C0950123, MeSH D030342.

Allele frequency attached by ClinVar (database versions not stated): ExAC 0.00001; gnomAD exomes 0.00001 and 0.00003; gnomAD 0.00007 and 0.00010; TOPMed 0.00011.
gnomAD v4.1: 64 of 1,613,990 alleles (0.004%); highest among the groups gnomAD compares: Admixed American, 0.015%; no homozygotes.

Submissions (3):

Ambry Genetics
Classification: Uncertain significance for Inborn genetic diseases. Last evaluated: 2024-01-08. Review status: criteria provided, single submitter. Criteria: Ambry Variant Classification Scheme 2023. Collection method: clinical testing. Allele origin: germline.

Labcorp Genetics (formerly Invitae), Labcorp
Classification: Uncertain significance. Last evaluated: 2024-01-02. Review status: criteria provided, single submitter. Criteria: Invitae Variant Classification Sherloc (09022015). Collection method: clinical testing. Allele origin: germline.
Comment: This sequence change replaces arginine, which is basic and polar, with cysteine, which is neutral and slightly polar, at codon 171 of the MTPAP protein (p.Arg171Cys). This variant is present in population databases (rs759094245, gnomAD 0.02%). This variant has not been reported in the literature in individuals affected with MTPAP-related conditions. ClinVar contains an entry for this variant (Variation ID: 1398440). Advanced modeling of protein sequence and biophysical properties (such as structural, functional, and spatial information, amino acid conservation, physicochemical variation, residue mobility, and thermodynamic stability) performed at Invitae indicates that this missense variant is not expected to disrupt MTPAP protein function with a negative predictive value of 80%. In summary, the available evidence is currently insufficient to determine the role of this variant in disease. Therefore, it has been classified as a Variant of Uncertain Significance.

Athena Diagnostics
Classification: Uncertain significance. Last evaluated: 2022-11-14. Review status: criteria provided, single submitter. Criteria: Athena Diagnostics Criteria. Collection method: clinical testing. Allele origin: unknown.
Comment: Available data are insufficient to determine the clinical significance of the variant at this time. The frequency of this variant in the general population is uninformative in assessment of its pathogenicity. Computational tools predict that this variant is not damaging.

NM_018109.4(MTPAP):c.511C>T (p.Arg171Cys)

Gene: MTPAP (mitochondrial poly(A) polymerase; minus strand). Cytogenetic location: 10p11.23.
Variant type: single nucleotide variant.
Coding change: c.511C>T on transcript NM_018109.4 (MANE Select); coding-DNA position 511, C replaced by T.
Protein change: p.Arg171Cys; replaces arginine 171 with cysteine.
Molecular consequence: missense variant.
Genome position (GRCh38, 1-based): chr10:30,340,270, G>A on the plus strand (C>T on the coding strand, the complement: MTPAP is on the minus strand). VCF-style: chr10-30340270-G-A. GRCh37 (hg19) VCF-style: chr10-30629199-G-A.
Other names: c.511C>T (NM_018109.3); short protein forms R171C.
Identifiers: ClinVar variation 1398440 (VCV001398440.6), dbSNP rs759094245, ClinGen allele CA5459176.
Genomic context (GRCh38, chr10:30,340,270, plus strand): 5'-ACACCTAAAAACTTACACTTTCTGCATAACAAAGTAATTCAAAAAGCTGCTTGTTTGAAC[G>A]TGGCAACTGATTACTTGACCGTACGCGTGACCGTTCAGAAGTCTGGTTTTTCAACTTCAG-3'
Protein context (NP_060579.3, residues 161-181): SRVRSSNQLP[Arg171Cys]SNKQLFELLC